The following is an entry in ClinVar:

ClinVar aggregate classification (germline): Uncertain significance. Review status: criteria provided, multiple submitters, no conflicts (2 of 4 stars). 2 submissions from 2 submitters: Uncertain significance (2). Last evaluated 2025-06-07.

Conditions:
Inborn genetic diseases. Identifiers: MedGen C0950123, MeSH D030342.

Allele frequency attached by ClinVar (database versions not stated): TOPMed 0.00001; gnomAD exomes 0.00002; ExAC 0.00001.
gnomAD v4.1: 36 of 1,613,682 alleles (0.0022%); highest among the groups gnomAD compares: South Asian, 0.035%; no homozygotes.

Submissions (2):

Ambry Genetics
Classification: Uncertain significance for Inborn genetic diseases. Last evaluated: 2025-06-07. Review status: criteria provided, single submitter. Criteria: Ambry Variant Classification Scheme 2023. Collection method: clinical testing. Allele origin: germline.

Labcorp Genetics (formerly Invitae), Labcorp
Classification: Uncertain significance. Last evaluated: 2022-01-02. Review status: criteria provided, single submitter. Criteria: Invitae Variant Classification Sherloc (09022015). Collection method: clinical testing. Allele origin: germline.
Comment: This sequence change replaces proline, which is neutral and non-polar, with leucine, which is neutral and non-polar, at codon 1080 of the MYO18B protein (p.Pro1080Leu). This variant is present in population databases (rs568230633, gnomAD 0.03%). This variant has not been reported in the literature in individuals affected with MYO18B-related conditions. Algorithms developed to predict the effect of missense changes on protein structure and function are either unavailable or do not agree on the potential impact of this missense change (SIFT: "Not Available"; PolyPhen-2: "Benign"; Align-GVGD: "Not Available"). In summary, the available evidence is currently insufficient to determine the role of this variant in disease. Therefore, it has been classified as a Variant of Uncertain Significance.

NM_032608.7(MYO18B):c.3239C>T (p.Pro1080Leu)

Gene: MYO18B (myosin XVIIIB; plus strand). Cytogenetic location: 22q12.1.
Variant type: single nucleotide variant.
Coding change: c.3239C>T on transcript NM_032608.7 (MANE Select); coding-DNA position 3239, C replaced by T.
Protein change: p.Pro1080Leu; replaces proline 1080 with leucine.
Molecular consequence: missense variant.
Genome position (GRCh38, 1-based): chr22:25,843,765, C>T. VCF-style: chr22-25843765-C-T. GRCh37 (hg19) VCF-style: chr22-26239732-C-T.
Other names: c.3242C>T, p.Pro1081Leu (NM_001318245.2); c.3239C>T (NM_032608.5); short protein forms P1080L, P1081L.
Identifiers: ClinVar variation 2181977 (VCV002181977.2), dbSNP rs568230633, ClinGen allele CA10160506.